The following is an entry in ClinVar:

ClinVar aggregate classification (germline): Uncertain significance (1 of 4 stars; one submission).

Allele frequency attached by ClinVar (database versions not stated): ESP Exome Variant Server 0.00009.
gnomAD v4.1: 54 of 1,209,767 alleles (0.0045%); highest among the groups gnomAD compares: Admixed American, 0.0066%; no homozygotes.

Submission:

Ambry Genetics
Classification: Uncertain significance. Last evaluated: 2025-11-26. Review status: criteria provided, single submitter. Criteria: Ambry Variant Classification Scheme 2023. Collection method: clinical testing. Allele origin: germline.
Comment: The c.655C>G (p.R219G) alteration is located in exon 2 (coding exon 1) of the MAGEB16 gene. This alteration results from a C to G substitution at nucleotide position 655, causing the arginine (R) at amino acid position 219 to be replaced by a glycine (G). Based on data from gnomAD, the G allele has an overall frequency of 0.002% (5/204100) total alleles studied. The highest observed frequency was 0.005% (5/92275) of European (non-Finnish) alleles. Based on insufficient or conflicting evidence, the clinical significance of this alteration remains unclear.

NM_001370158.1(MAGEB16):c.655C>G (p.Arg219Gly)

Gene: MAGEB16 (MAGE family member B16; plus strand). Cytogenetic location: Xp21.1.
Variant type: single nucleotide variant.
Coding change: c.655C>G on transcript NM_001370158.1 (MANE Select); coding-DNA position 655, C replaced by G.
Protein change: p.Arg219Gly; replaces arginine 219 with glycine.
Molecular consequence: missense variant.
Genome position (GRCh38, 1-based): chrX:35,802,851, C>G. VCF-style: chrX-35802851-C-G. GRCh37 (hg19) VCF-style: chrX-35820968-C-G.
Other names: c.655C>G, p.Arg219Gly (NM_001099921.2, NM_001370159.1); short protein forms R219G.
Identifiers: ClinVar variation 2290678 (VCV002290678.3), dbSNP rs141135450, ClinGen allele CA10381286.
Genomic context (GRCh38, chrX:35,802,851, plus strand): 5'-GGTGTGCCCAAGACTGGCCTCCTGATAATTGTCCTGGGTGTGATCTTCATGAAGGGCAAC[C>G]GTGCCACTGAAGAGGAAGTCTGGGAAGTGCTGAATTTGACGGGAGTATATTCTGGGAAGA-3'
Protein context (NP_001357087.1, residues 209-229): VLGVIFMKGN[Arg219Gly]ATEEEVWEVL